The following is an entry in ClinVar:

NM_004385.5(VCAN):c.4913T>G (p.Ile1638Ser)

Genes: VCAN (versican; plus strand), VCAN-AS1 (VCAN antisense RNA 1; minus strand). Cytogenetic location: 5q14.3.
Variant type: single nucleotide variant.
Coding change: c.4913T>G on transcript NM_004385.5 (MANE Select); coding-DNA position 4913, T replaced by G.
Protein change: p.Ile1638Ser; replaces isoleucine 1638 with serine.
Molecular consequence: missense variant. On other transcripts: intron variant (2).
Genome position (GRCh38, 1-based): chr5:83,537,916, T>G. VCF-style: chr5-83537916-T-G. GRCh37 (hg19) VCF-style: chr5-82833735-T-G.
Other names: c.1952T>G, p.Ile651Ser (NM_001164097.2); c.4004-7621T>G (NM_001164098.2); c.1043-7621T>G (NM_001126336.3); short protein forms I651S, I1638S.
Identifiers: ClinVar variation 1045726 (VCV001045726.8), dbSNP rs1197863650, ClinGen allele CA360309267.

ClinVar aggregate classification (germline): Uncertain significance (1 of 4 stars; one submission).

Allele frequency attached by ClinVar (database versions not stated): gnomAD exomes below 0.00001.
gnomAD v4.1: 1 of 1,613,944 alleles (0.000062%); highest among the groups gnomAD compares: Non-Finnish European, 0.000085%; no homozygotes.

Submission:

Labcorp Genetics (formerly Invitae), Labcorp
Classification: Uncertain significance. Last evaluated: 2022-03-10. Review status: criteria provided, single submitter. Criteria: Invitae Variant Classification Sherloc (09022015). Collection method: clinical testing. Allele origin: germline.
Comment: In summary, the available evidence is currently insufficient to determine the role of this variant in disease. Therefore, it has been classified as a Variant of Uncertain Significance. Algorithms developed to predict the effect of sequence changes on RNA splicing suggest that this variant may create or strengthen a splice site. Algorithms developed to predict the effect of missense changes on protein structure and function (SIFT, PolyPhen-2, Align-GVGD) all suggest that this variant is likely to be tolerated. ClinVar contains an entry for this variant (Variation ID: 1045726). This variant has not been reported in the literature in individuals affected with VCAN-related conditions. This variant is present in population databases (no rsID available, gnomAD 0.0009%). This sequence change replaces isoleucine, which is neutral and non-polar, with serine, which is neutral and polar, at codon 1638 of the VCAN protein (p.Ile1638Ser).